The following is an entry in ClinVar:

NM_014675.5(CROCC):c.4653G>A (p.Ser1551=)

Gene: CROCC (ciliary rootlet coiled-coil, rootletin; plus strand). Cytogenetic location: 1p36.13.
Variant type: single nucleotide variant.
Coding change: c.4653G>A on transcript NM_014675.5 (MANE Select); coding-DNA position 4653, G replaced by A.
Protein change: p.Ser1551=; no amino-acid change (serine 1551 retained).
Molecular consequence: synonymous variant.
Genome position (GRCh38, 1-based): chr1:16,966,076, G>A. VCF-style: chr1-16966076-G-A. GRCh37 (hg19) VCF-style: chr1-17292571-G-A.
Identifiers: ClinVar variation 2638380 (VCV002638380.24), dbSNP rs72639732, ClinGen allele CA635700.

ClinVar aggregate classification (germline): Likely benign (1 of 4 stars; one submission).

Allele frequency attached by ClinVar (database versions not stated): 1000 Genomes Project 0.00060; TOPMed 0.00076; 1000 Genomes Project 30x 0.00078; ExAC 0.00096; gnomAD 0.00108; ESP Exome Variant Server 0.00123; gnomAD exomes 0.00150.
gnomAD v4.1: 2,305 of 1,613,674 alleles (0.14%); highest among the groups gnomAD compares: Non-Finnish European, 0.17%; 3 homozygotes.

Submission:

CeGaT Center for Human Genetics Tuebingen
Classification: Likely benign. Last evaluated: 2023-08-01. Review status: criteria provided, single submitter. Criteria: CeGaT Center For Human Genetics Tuebingen Variant Classification Criteria Version 2. Collection method: clinical testing. Allele origin: germline. Affected: yes. Observed: 1 variant allele.
Comment: CROCC: BP4, BP7